The following is an entry in ClinVar:

ClinVar aggregate classification (germline): Uncertain significance. Review status: criteria provided, multiple submitters, no conflicts (2 of 4 stars). 2 submissions from 2 submitters: Uncertain significance (2). Last evaluated 2026-03-22.

Conditions:
Inborn genetic diseases. Identifiers: MedGen C0950123, MeSH D030342.
Clark-Baraitser syndrome. Also called: BARAITSER SYNDROME; Mental retardation, tall stature, obesity, macrocephaly and typical facial features; Intellectual disability, autosomal dominant 49; MENTAL RETARDATION, AUTOSOMAL DOMINANT 49. Identifiers: Orphanet 600731, MedGen C2931130, MONDO:0030914, OMIM 617752.

Submissions (2):

Clinical Genomics Laboratory, Washington University in St. Louis
Classification: Uncertain significance for Clark-Baraitser syndrome. Last evaluated: 2026-03-22. Review status: criteria provided, single submitter. Criteria: ACMG Guidelines, 2015. Collection method: clinical testing. Allele origin: germline.
Comment: The TRIP12 c.4702A>G (p.Met1568Val) variant, to our knowledge, has not been reported in the medical literature. This variant has been reported in the ClinVar database as a germline variant of uncertain significance by one submitter. This variant is only observed in 2/271412 alleles in the general population (gnomAD v2.1.1), indicating it is not a common variant. Computational predictors suggest that the variant does not impact TRIP12 function. Due to limited information, and based on ACMG/AMP guidelines for variant interpretation (Richards S et al., PMID: 25741868), the clinical significance of this variant is uncertain at this time.

Ambry Genetics
Classification: Uncertain significance for Inborn genetic diseases. Last evaluated: 2025-08-04. Review status: criteria provided, single submitter. Criteria: Ambry Variant Classification Scheme 2023. Collection method: clinical testing. Allele origin: germline.

NM_001348323.3(TRIP12):c.4702A>G (p.Met1568Val)

Gene: TRIP12 (thyroid hormone receptor interactor 12; minus strand). Cytogenetic location: 2q36.3.
Variant type: single nucleotide variant.
Coding change: c.4702A>G on transcript NM_001348323.3 (MANE Select); coding-DNA position 4702, A replaced by G.
Protein change: p.Met1568Val; replaces methionine 1568 with valine.
Molecular consequence: missense variant.
Genome position (GRCh38, 1-based): chr2:229,788,934, T>C on the plus strand (A>G on the coding strand, the complement: TRIP12 is on the minus strand). VCF-style: chr2-229788934-T-C. GRCh37 (hg19) VCF-style: chr2-230653650-T-C.
Other names: c.4621A>G, p.Met1541Val (NM_001284214.2, NM_001348315.2); c.4576A>G, p.Met1526Val (NM_001284215.2, NM_001348316.2); c.3667A>G, p.Met1223Val (NM_001284216.2); c.4561A>G, p.Met1521Val (NM_001348317.1, NM_001348318.2); c.4687A>G, p.Met1563Val (NM_001348319.1, NM_001348320.2); c.4690A>G, p.Met1564Val (NM_001348321.1); c.4702A>G, p.Met1568Val (NM_001348322.1, NM_001348324.2, NM_001348325.2 and 2 more transcripts); c.4705A>G, p.Met1569Val (NM_001348328.1, NM_001348329.2, NM_001348330.2); and 4 more; short protein forms M1223V, M1521V, M1541V, M1563V, M1564V, M1534V, M1493V, M1494V.
Identifiers: ClinVar variation 4191282 (VCV004191282.2).
Genomic context (GRCh38, chr2:229,788,934, plus strand): 5'-TTGCTTTTGCTGTTAACTTACTGTTAATAAATTCACTAGTTGGAATAATTTCCTTGCACA[T>C]TGCATTCTGTAAAATGTTTAAAAAAAAAAAAGTCTACATGTAGTAAAATATTAGGATTAT-3'
Protein context (NP_001335252.1, residues 1558-1578): RYWYYLYDNA[Met1568Val]CKEIIPTSEF